The following is an entry in ClinVar:

NM_152703.5(SAMD9L):c.614C>T (p.Thr205Ile)

Gene: SAMD9L (sterile alpha motif domain containing 9 like; minus strand). Cytogenetic location: 7q21.2.
Variant type: single nucleotide variant.
Coding change: c.614C>T on transcript NM_152703.5 (MANE Select); coding-DNA position 614, C replaced by T.
Protein change: p.Thr205Ile; replaces threonine 205 with isoleucine.
Molecular consequence: missense variant.
Genome position (GRCh38, 1-based): chr7:93,135,358, G>A on the plus strand (C>T on the coding strand, the complement: SAMD9L is on the minus strand). VCF-style: chr7-93135358-G-A. GRCh37 (hg19) VCF-style: chr7-92764671-G-A.
Other names: c.614C>T (NM_152703.2); c.614C>T, p.Thr205Ile (NM_001303496.3, NM_001303497.3, NM_001303498.3 and 5 more transcripts); short protein forms T205I.
Identifiers: ClinVar variation 2663222 (VCV002663222.2), dbSNP rs1332809710, ClinGen allele CA368202101.
Genomic context (GRCh38, chr7:93,135,358, plus strand): 5'-GCAAATCGGAAGACTTCATTGCTGAATTTCATCTTAATGTCCACTTCCGTGGCTGTTTCT[G>A]TGTTTGTGAGAGCTTTGAACTCATGTATTGGATCAATGAGATTGAGTGCTCCTGTTTCAG-3'
Protein context (NP_689916.2, residues 195-215): PIHEFKALTN[Thr205Ile]ETATEVDIKM

ClinVar aggregate classification (germline): Uncertain significance. Review status: criteria provided, multiple submitters, no conflicts (2 of 4 stars). 2 submissions from 2 submitters: Uncertain significance (2). Last evaluated 2025-11-04.

Conditions:
Inborn genetic diseases. Identifiers: MedGen C0950123, MeSH D030342.

Allele frequency attached by ClinVar (database versions not stated): gnomAD exomes below 0.00001.
gnomAD v4.1: 3 of 1,614,124 alleles (0.00019%); highest among the groups gnomAD compares: African/African-American, 0.0027%; no homozygotes.

Submissions (2):

Ambry Genetics
Classification: Uncertain significance for Inborn genetic diseases. Last evaluated: 2025-11-04. Review status: criteria provided, single submitter. Criteria: Ambry Variant Classification Scheme 2023. Collection method: clinical testing. Allele origin: germline.
Comment: The p.T205I variant (also known as c.614C>T), located in coding exon 1 of the SAMD9L gene, results from a C to T substitution at nucleotide position 614. The threonine at codon 205 is replaced by isoleucine, an amino acid with similar properties. This amino acid position is conserved. In addition, this alteration is predicted to be tolerated by in silico analysis. Based on the available evidence, the clinical significance of this variant remains unclear.

GeneDx
Classification: Uncertain significance. Last evaluated: 2023-05-10. Review status: criteria provided, single submitter. Criteria: GeneDx Variant Classification Process June 2021. Collection method: clinical testing. Allele origin: germline. Affected: yes.
Comment: Not observed at significant frequency in large population cohorts (gnomAD); In silico analysis supports that this missense variant does not alter protein structure/function; Has not been previously published as pathogenic or benign to our knowledge; This variant is associated with the following publications: (PMID: 28545555)